The following is an entry in ClinVar:

ClinVar aggregate classification (germline): Uncertain significance (1 of 4 stars; one submission).

Submission:

Ambry Genetics
Classification: Uncertain significance. Last evaluated: 2025-06-06. Review status: criteria provided, single submitter. Criteria: Ambry Variant Classification Scheme 2023. Collection method: clinical testing. Allele origin: germline.
Comment: The c.1773_1775delCGA (p.D591del) alteration is located in coding exon 13 of the UPF1 gene. This alteration consists of an in-frame deletion of 3 nucleotides between nucleotide positions 1773 and 1775, resulting in the deletion of an aspartic acid (D) residue at codon 591. This variant was not reported in population-based cohorts in the Genome Aggregation Database (gnomAD). This amino acid position is highly conserved in available vertebrate species. This alteration is predicted to be deleterious by in silico analysis (Choi, 2012). Based on insufficient or conflicting evidence, the clinical significance of this alteration remains unclear.

NM_002911.4(UPF1):c.1770CGA[1] (p.Asp591del)

Gene: UPF1 (UPF1 RNA helicase and ATPase; plus strand). Cytogenetic location: 19p13.11.
Variant type: Microsatellite.
Coding change: c.1770CGA[1] on transcript NM_002911.4 (MANE Select); one copy of the 3-base unit CGA starting at c.1770; the reference has two copies in a row; one copy, 3 bases deleted.
Protein change: p.Asp591del; deletes aspartic acid 591.
Genome position (GRCh38, 1-based): chr19:18,856,249-18,856,251, CGA deleted; deleting any 3 consecutive bases within chr19:18,856,246-18,856,251 gives the same sequence; the position shown is the placement nearest the transcript's 3' end. VCF-style (leftmost placement, unchanged base first): chr19-18856245-CCGA-C. GRCh37 (hg19) VCF-style: chr19-18967054-CCGA-C.
Other names: c.1803CGA[1], p.Asp602del (NM_001297549.2); short protein forms D602del, D591del.
Identifiers: ClinVar variation 3977906 (VCV003977906.1).